The following is an entry in ClinVar:

NM_022124.6(CDH23):c.8437C>T (p.Pro2813Ser)

Gene: CDH23 (cadherin related 23; plus strand). Cytogenetic location: 10q22.1.
Variant type: single nucleotide variant.
Coding change: c.8437C>T on transcript NM_022124.6 (MANE Select); coding-DNA position 8437, C replaced by T.
Protein change: p.Pro2813Ser; replaces proline 2813 with serine.
Molecular consequence: missense variant.
Genome position (GRCh38, 1-based): chr10:71,807,644, C>T. VCF-style: chr10-71807644-C-T. GRCh37 (hg19) VCF-style: chr10-73567401-C-T.
Other names: c.1717C>T, p.Pro573Ser (NM_001171933.1, NM_001171934.1); short protein forms P2813S, P573S.
Identifiers: ClinVar variation 848968 (VCV000848968.8), dbSNP rs537251448, ClinGen allele CA5546652.

ClinVar aggregate classification (germline): Uncertain significance. Review status: criteria provided, multiple submitters, no conflicts (2 of 4 stars). 4 submissions from 4 submitters: Uncertain significance (3). 1 of the submissions does not count toward it. Last evaluated 2024-06-06.

Conditions:
Usher syndrome type 1 (USH1). Also called: RETINITIS PIGMENTOSA AND CONGENITAL DEAFNESS. Identifiers: Orphanet 231169, Orphanet 886, MedGen C1568247, MONDO:0010168, OMIM 276900.
Inborn genetic diseases. Identifiers: MedGen C0950123, MeSH D030342.

Allele frequency attached by ClinVar (database versions not stated): gnomAD exomes below 0.00001 and 0.00001; ExAC 0.00003; gnomAD 0.00011; 1000 Genomes Project 0.00020; TOPMed 0.00021; 1000 Genomes Project 30x 0.00031.
gnomAD v4.1: 20 of 1,613,976 alleles (0.0012%); highest among the groups gnomAD compares: Admixed American, 0.027%; no homozygotes.

Submissions (4):

Blueprint Genetics
Classification: Uncertain significance. Last evaluated: 2024-06-06. Review status: criteria provided, single submitter. Criteria: ACMG Guidelines, 2015. Collection method: clinical testing. Allele origin: germline.

Labcorp Genetics (formerly Invitae), Labcorp
Classification: Uncertain significance. Last evaluated: 2023-11-27. Review status: criteria provided, single submitter. Criteria: Invitae Variant Classification Sherloc (09022015). Collection method: clinical testing. Allele origin: germline.
Comment: This sequence change replaces proline, which is neutral and non-polar, with serine, which is neutral and polar, at codon 2813 of the CDH23 protein (p.Pro2813Ser). This variant is present in population databases (rs537251448, gnomAD 0.003%). This missense change has been observed in individual(s) with CDH23-related conditions (PMID: 32483926). ClinVar contains an entry for this variant (Variation ID: 848968). Advanced modeling of protein sequence and biophysical properties (such as structural, functional, and spatial information, amino acid conservation, physicochemical variation, residue mobility, and thermodynamic stability) performed at Invitae indicates that this missense variant is not expected to disrupt CDH23 protein function with a negative predictive value of 95%. In summary, the available evidence is currently insufficient to determine the role of this variant in disease. Therefore, it has been classified as a Variant of Uncertain Significance.

Ambry Genetics
Classification: Uncertain significance for Inborn genetic diseases. Last evaluated: 2021-12-15. Review status: criteria provided, single submitter. Criteria: Ambry Variant Classification Scheme 2023. Collection method: clinical testing. Allele origin: germline.

Natera, Inc.
Classification: Uncertain significance for Usher syndrome type 1. Last evaluated: 2020-01-24. Review status: no assertion criteria provided. Collection method: clinical testing. Allele origin: germline. Not counted in ClinVar's aggregate classification.

Literature cited by the submitters: PubMed 32483926 (cited by Labcorp Genetics (formerly Invitae), Labcorp).